The following is an entry in ClinVar:

ClinVar aggregate classification (germline): Uncertain significance (1 of 4 stars; one submission).

Conditions:
Catecholaminergic polymorphic ventricular tachycardia 1. Also called: RYR2-Related Catecholaminergic Polymorphic Ventricular Tachycardia; VENTRICULAR TACHYCARDIA, STRESS-INDUCED POLYMORPHIC 1; VENTRICULAR TACHYCARDIA, CATECHOLAMINERGIC POLYMORPHIC, 1, WITH OR WITHOUT ATRIAL DYSFUNCTION AND/OR DILATED CARDIOMYOPATHY. Identifiers: Orphanet 3286, MedGen C1631597, MONDO:0011484, OMIM 604772.

Submission:

Labcorp Genetics (formerly Invitae), Labcorp
Classification: Uncertain significance for Catecholaminergic polymorphic ventricular tachycardia 1. Last evaluated: 2024-04-29. Review status: criteria provided, single submitter. Criteria: Invitae Variant Classification Sherloc (09022015). Collection method: clinical testing. Allele origin: germline.
Comment: This sequence change replaces isoleucine, which is neutral and non-polar, with phenylalanine, which is neutral and non-polar, at codon 1641 of the RYR2 protein (p.Ile1641Phe). This variant is not present in population databases (gnomAD no frequency). This variant has not been reported in the literature in individuals affected with RYR2-related conditions. Advanced modeling of protein sequence and biophysical properties (such as structural, functional, and spatial information, amino acid conservation, physicochemical variation, residue mobility, and thermodynamic stability) performed at Invitae indicates that this missense variant is expected to disrupt RYR2 protein function with a positive predictive value of 80%. In summary, the available evidence is currently insufficient to determine the role of this variant in disease. Therefore, it has been classified as a Variant of Uncertain Significance.

NM_001035.3(RYR2):c.4921A>T (p.Ile1641Phe)

Gene: RYR2 (ryanodine receptor 2; plus strand). Cytogenetic location: 1q43.
Variant type: single nucleotide variant.
Coding change: c.4921A>T on transcript NM_001035.3 (MANE Select); coding-DNA position 4921, A replaced by T.
Protein change: p.Ile1641Phe; replaces isoleucine 1641 with phenylalanine.
Molecular consequence: missense variant.
Genome position (GRCh38, 1-based): chr1:237,614,049, A>T. VCF-style: chr1-237614049-A-T. GRCh37 (hg19) VCF-style: chr1-237777349-A-T.
Other names: short protein forms I1641F.
Identifiers: ClinVar variation 2987398 (VCV002987398.3), dbSNP rs2546789646, ClinGen allele CA345403475.